The following is an entry in ClinVar:

ClinVar aggregate classification (germline): Likely pathogenic (1 of 4 stars; one submission).

Submission:

GeneDx
Classification: Likely pathogenic. Last evaluated: 2025-08-07. Review status: criteria provided, single submitter. Criteria: GeneDx Variant Classification Process June 2021. Collection method: clinical testing. Allele origin: germline.
Comment: Not observed at significant frequency in large population cohorts (gnomAD); In silico analysis supports that this missense variant has a deleterious effect on protein structure/function; This variant is associated with the following publications: (PMID: 38532509, 18400034, 38869769)

NM_001127222.2(CACNA1A):c.4034G>T (p.Arg1345Leu)

Gene: CACNA1A (calcium voltage-gated channel subunit alpha1 A; minus strand). Cytogenetic location: 19p13.13.
Variant type: single nucleotide variant.
Coding change: c.4034G>T on transcript NM_001127222.2 (MANE Select); coding-DNA position 4034, G replaced by T.
Protein change: p.Arg1345Leu; replaces arginine 1345 with leucine.
Molecular consequence: missense variant.
Genome position (GRCh38, 1-based): chr19:13,262,789, C>A on the plus strand (G>T on the coding strand, the complement: CACNA1A is on the minus strand). VCF-style: chr19-13262789-C-A. GRCh37 (hg19) VCF-style: chr19-13373603-C-A.
Other names: c.4046G>T, p.Arg1349Leu (NM_000068.4, NM_023035.3); c.4037G>T, p.Arg1346Leu (NM_001127221.2, NM_001174080.2); short protein forms R1345L, R1346L, R1349L.
Identifiers: ClinVar variation 1803511 (VCV001803511.2), dbSNP rs121908230, ClinGen allele CA404340015.